The following is an entry in ClinVar:

ClinVar aggregate classification (germline): Uncertain significance (1 of 4 stars; one submission).

Submission:

GeneDx
Classification: Uncertain significance. Last evaluated: 2025-03-22. Review status: criteria provided, single submitter. Criteria: GeneDx Variant Classification Process June 2021. Collection method: clinical testing. Allele origin: germline. Affected: yes.
Comment: Not observed at significant frequency in large population cohorts (gnomAD); In silico analysis supports that this missense variant has a deleterious effect on protein structure/function; Has not been previously published as pathogenic or benign to our knowledge

NM_001161352.2(KCNMA1):c.3034C>A (p.Gln1012Lys)

Genes: KCNMA1 (potassium calcium-activated channel subfamily M alpha 1; minus strand), KCNMA1-AS1 (KCNMA1 antisense RNA 1; plus strand). Cytogenetic location: 10q22.3.
Variant type: single nucleotide variant.
Coding change: c.3034C>A on transcript NM_001161352.2 (MANE Select); coding-DNA position 3034, C replaced by A.
Protein change: p.Gln1012Lys; replaces glutamine 1012 with lysine.
Molecular consequence: missense variant.
Genome position (GRCh38, 1-based): chr10:76,910,079, G>T on the plus strand (C>A on the coding strand, the complement: KCNMA1 is on the minus strand). VCF-style: chr10-76910079-G-T. GRCh37 (hg19) VCF-style: chr10-78669837-G-T.
Other names: c.2872C>A, p.Gln958Lys (NM_001014797.3); c.2983C>A, p.Gln995Lys (NM_001161353.2); c.2710C>A, p.Gln904Lys (NM_001271518.2); c.2950C>A, p.Gln984Lys (NM_001271519.2); c.2869C>A, p.Gln957Lys (NM_001322829.2, NM_001322836.2); c.2962C>A, p.Gln988Lys (NM_001322830.2); c.2860C>A, p.Gln954Lys (NM_001322832.2, NM_001410940.1, NM_002247.4); c.2953C>A, p.Gln985Lys (NM_001322835.2, NM_001322837.2); and 3 more; short protein forms Q957K, Q984K, Q985K, Q1012K, Q803K, Q958K, Q998K, Q988K.
Identifiers: ClinVar variation 4088252 (VCV004088252.1).
Genomic context (GRCh38, chr10:76,910,079, plus strand): 5'-AGGGCTGCGTGAGGTACAGTTCTGTATCAGGGTCATCATCATCGTCTTGGTCCAAAAACT[G>T]AACATTAGTATCGTTCACTAGAAAAAGCATAAAATAAGAATTAGCTCTGAAGACCACACA-3'
Protein context (NP_001154824.1, residues 1002-1022): ITELVNDTNV[Gln1012Lys]FLDQDDDDDP